The following is an entry in ClinVar:

NM_001267550.2(TTN):c.104619A>C (p.Glu34873Asp)

Genes: TTN (titin; minus strand), TTN-AS1 (TTN antisense RNA 1; plus strand). Cytogenetic location: 2q31.2.
Variant type: single nucleotide variant.
Coding change: c.104619A>C on transcript NM_001267550.2 (MANE Select); coding-DNA position 104619, A replaced by C.
Protein change: p.Glu34873Asp; replaces glutamic acid 34873 with aspartic acid.
Molecular consequence: missense variant.
Genome position (GRCh38, 1-based): chr2:178,531,996, T>G on the plus strand (A>C on the coding strand, the complement: TTN is on the minus strand). VCF-style: chr2-178531996-T-G. GRCh37 (hg19) VCF-style: chr2-179396723-T-G.
Other names: c.99696A>C, p.Glu33232Asp (NM_001256850.1); c.77424A>C, p.Glu25808Asp (NM_003319.4); c.96915A>C, p.Glu32305Asp (NM_133378.4); c.77799A>C, p.Glu25933Asp (NM_133432.3); c.78000A>C, p.Glu26000Asp (NM_133437.4); short protein forms E32305D, E25808D, E26000D, E25933D, E33232D, E34873D.
Identifiers: ClinVar variation 4979624 (VCV004979624.1).

ClinVar aggregate classification (germline): Uncertain significance (1 of 4 stars; one submission).

Conditions:
TTN-related disorder. Also called: TTN-related condition; TTN-related disease; TTN-related disorders.

gnomAD v4.1: 2 of 1,613,744 alleles (0.00012%); highest among the groups gnomAD compares: African/African-American, 0.0027%; no homozygotes.

Submission:

PreventionGenetics, part of Exact Sciences
Classification: Uncertain significance for TTN-related condition. Last evaluated: 2025-11-25. Review status: criteria provided, single submitter. Criteria: ACMG Guidelines, 2015. Collection method: clinical testing. Allele origin: germline.
Comment: The TTN c.104619A>C variant is predicted to result in the amino acid substitution p.Glu34873Asp. To our knowledge, this variant has not been reported in the literature or in a large population database (gnomAD), indicating this variant is rare. At this time, the clinical significance of this variant is uncertain due to the absence of conclusive functional and genetic evidence.